The following is an entry in ClinVar:

NM_001134831.2(AHI1):c.1091C>T (p.Pro364Leu)

Gene: AHI1 (Abelson helper integration site 1; minus strand). Cytogenetic location: 6q23.3.
Variant type: single nucleotide variant.
Coding change: c.1091C>T on transcript NM_001134831.2 (MANE Select); coding-DNA position 1091, C replaced by T.
Protein change: p.Pro364Leu; replaces proline 364 with leucine.
Molecular consequence: missense variant.
Genome position (GRCh38, 1-based): chr6:135,457,554, G>A on the plus strand (C>T on the coding strand, the complement: AHI1 is on the minus strand). VCF-style: chr6-135457554-G-A. GRCh37 (hg19) VCF-style: chr6-135778692-G-A.
Other names: c.1091C>T, p.Pro364Leu (NM_001134832.2, NM_001350503.2, NM_001350504.2 and 2 more transcripts); short protein forms P364L.
Identifiers: ClinVar variation 3650839 (VCV003650839.2).

ClinVar aggregate classification (germline): Uncertain significance (1 of 4 stars; one submission).

Conditions:
Joubert syndrome. Also called: CEREBELLOPARENCHYMAL DISORDER IV; JOUBERT-BOLTSHAUSER SYNDROME; Familial aplasia of the vermis. Identifiers: Orphanet 475, MedGen C5979921, MONDO:0018772.

gnomAD v4.1: 2 of 1,613,696 alleles (0.00012%); highest among the groups gnomAD compares: Non-Finnish European, 0.00017%; no homozygotes.

Submission:

Labcorp Genetics (formerly Invitae), Labcorp
Classification: Uncertain significance for Joubert syndrome. Last evaluated: 2025-03-27. Review status: criteria provided, single submitter. Criteria: Invitae Variant Classification Sherloc (09022015). Collection method: clinical testing. Allele origin: germline.
Comment: This sequence change replaces proline, which is neutral and non-polar, with leucine, which is neutral and non-polar, at codon 364 of the AHI1 protein (p.Pro364Leu). This variant is not present in population databases (gnomAD no frequency). This variant has not been reported in the literature in individuals affected with AHI1-related conditions. Invitae Evidence Modeling of protein sequence and biophysical properties (such as structural, functional, and spatial information, amino acid conservation, physicochemical variation, residue mobility, and thermodynamic stability) has been performed for this missense variant. However, the output from this modeling did not meet the statistical confidence thresholds required to predict the impact of this variant on AHI1 protein function. In summary, the available evidence is currently insufficient to determine the role of this variant in disease. Therefore, it has been classified as a Variant of Uncertain Significance.